The following is an entry in ClinVar:

NM_005908.4(MANBA):c.2102_2103insAT (p.Phe702fs)

Gene: MANBA (mannosidase beta; minus strand). Cytogenetic location: 4q24.
Variant type: Insertion.
Coding change: c.2102_2103insAT on transcript NM_005908.4 (MANE Select); coding-DNA positions 2102 to 2103, AT inserted.
Protein change: p.Phe702fs; shifts the reading frame from phenylalanine 702.
Molecular consequence: frameshift variant.
Genome position: GRCh38 VCF-style: chr4-102635919-C-CAT. GRCh37 (hg19) VCF-style: chr4-103557076-C-CAT.
Other names: short protein forms F702fs.
Identifiers: ClinVar variation 2709615 (VCV002709615.3), dbSNP rs2476721403, ClinGen allele CA2697546831.

ClinVar aggregate classification (germline): Pathogenic (1 of 4 stars; one submission).

Conditions:
Beta-D-mannosidosis (MANSB). Also called: Beta-Mannosidosis; MANNOSIDOSIS, BETA A, LYSOSOMAL; BETA-MANNOSIDASE DEFICIENCY; LYSOSOMAL BETA-MANNOSIDASE DEFICIENCY. Identifiers: Orphanet 118, MedGen C4048196, MONDO:0009562, OMIM 248510.

Submission:

Labcorp Genetics (formerly Invitae), Labcorp
Classification: Pathogenic for Beta-D-mannosidosis. Last evaluated: 2024-01-16. Review status: criteria provided, single submitter. Criteria: Invitae Variant Classification Sherloc (09022015). Collection method: clinical testing. Allele origin: germline.
Comment: This sequence change creates a premature translational stop signal (p.Phe702Cysfs*16) in the MANBA gene. It is expected to result in an absent or disrupted protein product. Loss-of-function variants in MANBA are known to be pathogenic (PMID: 9384606, 12468273). This variant is not present in population databases (gnomAD no frequency). This variant has not been reported in the literature in individuals affected with MANBA-related conditions. Algorithms developed to predict the effect of sequence changes on RNA splicing suggest that this variant may disrupt the consensus splice site. For these reasons, this variant has been classified as Pathogenic.

Literature cited by the submitters: PubMed 9384606; PubMed 12468273.